The following is an entry in ClinVar:

NM_000255.4(MMUT):c.1328dup (p.Leu443fs)

Gene: MMUT (methylmalonyl-CoA mutase; minus strand). Cytogenetic location: 6p12.3.
Variant type: Duplication.
Coding change: c.1328dup on transcript NM_000255.4 (MANE Select); coding-DNA position 1328, one base duplicated (T; older notation c.1328dupT).
Protein change: p.Leu443fs; shifts the reading frame from leucine 443.
Molecular consequence: frameshift variant.
Genome position (GRCh38, 1-based): chr6:49,451,470, A duplicated on the plus strand (T on the coding strand, the reverse complement: MMUT is on the minus strand); the first of 3 consecutive A bases (chr6:49,451,470-49,451,472); duplicating any one gives the same sequence. VCF-style (leftmost placement, unchanged base first): chr6-49451469-T-TA. GRCh37 (hg19) VCF-style: chr6-49419182-T-TA.
Other names: short protein forms L443fs.
Identifiers: ClinVar variation 934454 (VCV000934454.9), dbSNP rs772609811, ClinGen allele CA3846921.

ClinVar aggregate classification (germline): Pathogenic (1 of 4 stars; one submission).

Submission:

Labcorp Genetics (formerly Invitae), Labcorp
Classification: Pathogenic. Last evaluated: 2026-01-20. Review status: criteria provided, single submitter. Criteria: Invitae Variant Classification Sherloc (09022015). Collection method: clinical testing. Allele origin: germline.
Comment: This sequence change creates a premature translational stop signal (p.Leu443Phefs*5) in the MUT gene. It is expected to result in an absent or disrupted protein product. Loss-of-function variants in MUT are known to be pathogenic (PMID: 15781192). This variant is present in population databases (rs772609811, gnomAD 0.01%). This premature translational stop signal has been observed in individual(s) with methylmalonic aciduria (PMID: 16281286). ClinVar contains an entry for this variant (Variation ID: 934454). For these reasons, this variant has been classified as Pathogenic.

Literature cited by the submitters: PubMed 15781192; PubMed 16281286.